The following is an entry in ClinVar:

ClinVar aggregate classification (germline): Uncertain significance (1 of 4 stars; one submission).

Conditions:
ACTN1-related disorder. Also called: ACTN1-related condition.

Submission:

PreventionGenetics, part of Exact Sciences
Classification: Uncertain significance for ACTN1-related condition. Last evaluated: 2025-01-16. Review status: criteria provided, single submitter. Criteria: ACMG Guidelines, 2015. Collection method: clinical testing. Allele origin: germline.
Comment: The ACTN1 c.410A>G variant is predicted to result in the amino acid substitution p.Gln137Arg. To our knowledge, this variant has not been reported in the literature or in a large population database (gnomAD), indicating this variant is rare. At this time, the clinical significance of this variant is uncertain due to the absence of conclusive functional and genetic evidence.

NM_001130004.2(ACTN1):c.410A>G (p.Gln137Arg)

Gene: ACTN1 (actinin alpha 1; minus strand). Cytogenetic location: 14q24.1.
Variant type: single nucleotide variant.
Coding change: c.410A>G on transcript NM_001130004.2 (MANE Select); coding-DNA position 410, A replaced by G.
Protein change: p.Gln137Arg; replaces glutamine 137 with arginine.
Molecular consequence: missense variant. On other transcripts: 5 prime UTR variant (1).
Genome position (GRCh38, 1-based): chr14:68,912,173, T>C on the plus strand (A>G on the coding strand, the complement: ACTN1 is on the minus strand). VCF-style: chr14-68912173-T-C. GRCh37 (hg19) VCF-style: chr14-69378890-T-C.
Other names: c.410A>G, p.Gln137Arg (NM_001102.4, NM_001130005.2, NM_001411035.1 and 9 more transcripts); c.215A>G, p.Gln72Arg (NM_001411036.1, NM_001424026.1, NM_001424028.1); c.536A>G, p.Gln179Arg (NM_001424013.1); c.497A>G, p.Gln166Arg (NM_001424015.1); c.407A>G, p.Gln136Arg (NM_001424017.1); c.347A>G, p.Gln116Arg (NM_001424018.1, NM_001424020.1, NM_001424022.1); c.341A>G, p.Gln114Arg (NM_001424021.1); c.-501A>G (NM_001424030.1); short protein forms Q114R, Q116R, Q166R, Q179R, Q136R, Q137R, Q72R.
Identifiers: ClinVar variation 4997980 (VCV004997980.1).